The following is an entry in ClinVar:

NM_001111067.4(ACVR1):c.1189G>A (p.Asp397Asn)

Gene: ACVR1 (activin A receptor type 1; minus strand). Cytogenetic location: 2q24.1.
Variant type: single nucleotide variant.
Coding change: c.1189G>A on transcript NM_001111067.4 (MANE Select); coding-DNA position 1189, G replaced by A.
Protein change: p.Asp397Asn; replaces aspartic acid 397 with asparagine.
Molecular consequence: missense variant.
Genome position (GRCh38, 1-based): chr2:157,760,955, C>T on the plus strand (G>A on the coding strand, the complement: ACVR1 is on the minus strand). VCF-style: chr2-157760955-C-T. GRCh37 (hg19) VCF-style: chr2-158617467-C-T.
Other names: c.1189G>A, p.Asp397Asn (NM_001105.5, NM_001347663.1, NM_001347664.1 and 3 more transcripts); short protein forms D397N.
Identifiers: ClinVar variation 3684595 (VCV003684595.2).

ClinVar aggregate classification (germline): Uncertain significance (1 of 4 stars; one submission).

Submission:

Labcorp Genetics (formerly Invitae), Labcorp
Classification: Uncertain significance. Last evaluated: 2025-04-08. Review status: criteria provided, single submitter. Criteria: Invitae Variant Classification Sherloc (09022015). Collection method: clinical testing. Allele origin: germline.
Comment: This sequence change replaces aspartic acid, which is acidic and polar, with asparagine, which is neutral and polar, at codon 397 of the ACVR1 protein (p.Asp397Asn). This variant is present in population databases (rs766633229, gnomAD 0.003%). This variant has not been reported in the literature in individuals affected with ACVR1-related conditions. ClinVar contains an entry for this variant (Variation ID: 3684595). An algorithm developed to predict the effect of missense changes on protein structure and function (PolyPhen-2) suggests that this variant is likely to be disruptive. In summary, the available evidence is currently insufficient to determine the role of this variant in disease. Therefore, it has been classified as a Variant of Uncertain Significance.